The following is an entry in ClinVar:

NM_032892.5(FRMD5):c.1462G>T (p.Gly488Trp)

Gene: FRMD5 (FERM domain containing 5; minus strand). Cytogenetic location: 15q15.3.
Variant type: single nucleotide variant.
Coding change: c.1462G>T on transcript NM_032892.5 (MANE Select); coding-DNA position 1462, G replaced by T.
Protein change: p.Gly488Trp; replaces glycine 488 with tryptophan.
Molecular consequence: missense variant. On other transcripts: non-coding transcript variant (1).
Genome position (GRCh38, 1-based): chr15:43,874,136, C>A on the plus strand (G>T on the coding strand, the complement: FRMD5 is on the minus strand). VCF-style: chr15-43874136-C-A. GRCh37 (hg19) VCF-style: chr15-44166334-C-A.
Other names: c.1180G>T, p.Gly394Trp (NM_001286490.2); c.760G>T, p.Gly254Trp (NM_001286491.2); c.1462G>T, p.Gly488Trp (NM_001322949.2, NM_001322950.2, NM_001411124.1); c.1357G>T, p.Gly453Trp (NM_001322951.2); short protein forms G488W, G254W, G394W, G453W.
Identifiers: ClinVar variation 4981956 (VCV004981956.1).
Genomic context (GRCh38, chr15:43,874,136, plus strand): 5'-TCACAAGGAGCAAACGGAGGACACTTAGAACAAACTTATTCACCTGTTCCTCCTCGGGCC[C>A]GCTGTGCCCCTGACACAGGGCCCTCAGCTCTCCCCCAAGGGCCTCCACCTCTGTAGCAGT-3'
Protein context (NP_116281.2, residues 478-498): ELRALCQGHS[Gly488Trp]PEEEQVNKFV

ClinVar aggregate classification (germline): Uncertain significance (1 of 4 stars; one submission).

Conditions:
FRMD5-related condition.

gnomAD v4.1: 2 of 1,614,110 alleles (0.00012%); highest among the groups gnomAD compares: Non-Finnish European, 0.00017%; no homozygotes.

Submission:

PreventionGenetics, part of Exact Sciences
Classification: Uncertain significance for FRMD5-related condition. Last evaluated: 2026-08-04. Review status: criteria provided, single submitter. Criteria: ACMG Guidelines, 2015. Collection method: clinical testing. Allele origin: germline.
Comment: The FRMD5 c.1462G>T variant is predicted to result in the amino acid substitution p.Gly488Trp. To our knowledge, this variant has not been reported in the literature. This variant is reported in 0.00088% of alleles in individuals of European (Non-Finnish) descent in gnomAD. At this time, the clinical significance of this variant is uncertain due to the absence of conclusive functional and genetic evidence.